The following is an entry in ClinVar:

NM_007194.4(CHEK2):c.847-1G>A

Gene: CHEK2 (checkpoint kinase 2; minus strand). Cytogenetic location: 22q12.1.
Variant type: single nucleotide variant.
Coding change: c.847-1G>A on transcript NM_007194.4 (MANE Select); the canonical splice acceptor site of the intron before coding-DNA position 847, G replaced by A.
Molecular consequence: splice acceptor variant.
Genome position (GRCh38, 1-based): chr22:28,703,567, C>T on the plus strand (G>A on the coding strand, the complement: CHEK2 is on the minus strand). VCF-style: chr22-28703567-C-T. GRCh37 (hg19) VCF-style: chr22-29099555-C-T.
Other names: c.184-1G>A (NM_001437942.1, NM_001257387.3); c.646-1G>A (NM_001349956.3); c.847-1G>A (NM_145862.3); c.940-1G>A (NM_001438295.1, NM_001438293.1); c.976-1G>A (NM_001438294.1, NM_001005735.3).
Identifiers: ClinVar variation 240758 (VCV000240758.17), dbSNP rs878854926, ClinGen allele CA10583906.

ClinVar aggregate classification (germline): Likely pathogenic. Review status: criteria provided, multiple submitters, no conflicts (2 of 4 stars). 5 submissions from 5 submitters: Likely pathogenic (4). 1 of the submissions does not count toward it. Last evaluated 2024-12-20.

Conditions:
Hereditary cancer-predisposing syndrome. Also called: Neoplastic Syndromes, Hereditary; Tumor predisposition; Hereditary neoplastic syndrome; Hereditary Cancer Syndrome. Identifiers: Orphanet 140162, MedGen C0027672, MeSH D009386, MONDO:0015356.
Breast carcinoma. Also called: Carcinoma of breast. Identifiers: MedGen C0678222, MONDO:0004989, HP:0003002.
Familial cancer of breast. Also called: BREAST CANCER, FAMILIAL; Hereditary breast cancer; hereditary breast carcinoma. Identifiers: Orphanet 227535, MedGen C0346153, MONDO:0016419, OMIM 114480. Disease mechanism: loss of function.

Allele frequency attached by ClinVar (database versions not stated): gnomAD exomes below 0.00001.
gnomAD v4.1: 1 of 1,555,852 alleles (0.000064%); highest among the groups gnomAD compares: Non-Finnish European, 0.000088%; no homozygotes.

Submissions (5):

Labcorp Genetics (formerly Invitae), Labcorp
Classification: Likely pathogenic for Familial cancer of breast. Last evaluated: 2024-12-20. Review status: criteria provided, single submitter. Criteria: Invitae Variant Classification Sherloc (09022015). Collection method: clinical testing. Allele origin: germline.
Comment: This sequence change affects an acceptor splice site in intron 7 of the CHEK2 gene. It is expected to disrupt RNA splicing. Variants that disrupt the donor or acceptor splice site typically lead to a loss of protein function (PMID: 16199547), and loss-of-function variants in CHEK2 are known to be pathogenic (PMID: 21876083, 24713400). This variant is not present in population databases (gnomAD no frequency). Disruption of this splice site has been observed in individual(s) with breast cancer (PMID: 32427313). ClinVar contains an entry for this variant (Variation ID: 240758). Algorithms developed to predict the effect of sequence changes on RNA splicing suggest that this variant may disrupt the consensus splice site. In summary, the currently available evidence indicates that the variant is pathogenic, but additional data are needed to prove that conclusively. Therefore, this variant has been classified as Likely Pathogenic.

Ambry Genetics
Classification: Likely pathogenic for Hereditary cancer-predisposing syndrome. Last evaluated: 2024-07-26. Review status: criteria provided, single submitter. Criteria: Ambry Variant Classification Scheme 2023. Collection method: clinical testing. Allele origin: germline.
Comment: The c.847-1G>A intronic variant results from a G to A substitution one nucleotide upstream from coding exon 7 of the CHEK2 gene. This variant was not reported in population-based cohorts in the Genome Aggregation Database (gnomAD). This nucleotide position is highly conserved in available vertebrate species. In silico splice site analysis predicts that this alteration will weaken the native splice acceptor site. Alterations that disrupt the canonical splice site are expected to cause aberrant splicing, resulting in an abnormal protein or a transcript that is subject to nonsense-mediated mRNA decay. As such, this alteration is classified as likely pathogenic.

Myriad Genetics, Inc.
Classification: Likely pathogenic for Familial cancer of breast. Last evaluated: 2023-06-27. Review status: criteria provided, single submitter. Criteria: Myriad Autosomal Dominant, Autosomal Recessive and X-Linked Classification Criteria (2023). Collection method: clinical testing. Allele origin: unknown.
Comment: This variant is considered likely pathogenic. This variant occurs within a consensus splice junction and is predicted to result in abnormal mRNA splicing of either an out-of-frame exon or an in-frame exon necessary for protein stability and/or normal function.

Color Diagnostics, LLC DBA Color Health
Classification: Likely pathogenic for Hereditary cancer-predisposing syndrome. Last evaluated: 2022-08-09. Review status: criteria provided, single submitter. Criteria: ACMG Guidelines, 2015. Collection method: clinical testing. Allele origin: germline.
Comment: This variant causes a G to A nucleotide substitution at the canonical -1 position of intron 7 splice acceptor site of the CHEK2 gene. Splice site prediction tools predict that this variant may have a significant impact on RNA splicing. Although functional RNA studies have not been reported for this variant, it is expected to disrupt CHEK2 protein function. This variant has not been reported in individuals affected with hereditary cancer in the literature. This variant has not been identified in the general population by the Genome Aggregation Database (gnomAD). A different variant impacting a canonical position c.847-2A>G in intron 7 splice acceptor site is reported to be disease-causing (ClinVar variation ID: 822474). Loss of CHEK2 function is a known mechanism of disease. Based on the available evidence, this variant is classified as Likely Pathogenic.

Medical Genetics Laboratory, Umraniye Training and Research Hospital, University of Health Sciences
Classification: Pathogenic for Breast carcinoma. Last evaluated: 2021-08-21. Review status: no assertion criteria provided. Collection method: clinical testing. Allele origin: germline. Inheritance: Autosomal dominant inheritance. Affected: yes. Observed: 1 variant allele, 1 heterozygote. Not counted in ClinVar's aggregate classification.
Comment: Invasive Breast Carcinoma EST= + PRO = + HER2 = + KI = 30%

Literature cited by the submitters: PubMed 16199547 (cited by Labcorp Genetics (formerly Invitae), Labcorp); PubMed 21876083 (cited by Labcorp Genetics (formerly Invitae), Labcorp); PubMed 24713400 (cited by Labcorp Genetics (formerly Invitae), Labcorp); PubMed 32427313 (cited by Labcorp Genetics (formerly Invitae), Labcorp).